The following is an entry in ClinVar:

ClinVar aggregate classification (germline): Likely benign. Review status: criteria provided, multiple submitters, no conflicts (2 of 4 stars). 2 submissions from 2 submitters: Likely benign (2). Last evaluated 2025-01-30.

Conditions:
46,XY sex reversal 6. Also called: 46,XY SEX REVERSAL, PARTIAL OR COMPLETE, MAP3K1-RELATED; 46,XY GONADAL DYSGENESIS, PARTIAL OR COMPLETE, MAP3K1-RELATED. Identifiers: MedGen C3151064, MONDO:0013410, OMIM 613762.
MAP3K1-related disorder. Also called: MAP3K1-related condition.

gnomAD v4.1: 3 of 1,277,734 alleles (0.00023%); highest among the groups gnomAD compares: Admixed American, 0.012%; no homozygotes.

Submissions (2):

PreventionGenetics, part of Exact Sciences
Classification: Likely benign for MAP3K1-related condition. Last evaluated: 2025-01-30. Review status: criteria provided, single submitter. Criteria: ACMG Guidelines, 2015. Collection method: clinical testing. Allele origin: germline.
Comment: This variant is classified as likely benign based on ACMG/AMP sequence variant interpretation guidelines (Richards et al. 2015 PMID: 25741868, with internal and published modifications).

Labcorp Genetics (formerly Invitae), Labcorp
Classification: Likely benign for 46,XY sex reversal 6. Last evaluated: 2022-12-07. Review status: criteria provided, single submitter. Criteria: Invitae Variant Classification Sherloc (09022015). Collection method: clinical testing. Allele origin: germline.

NM_005921.2(MAP3K1):c.347C>T (p.Ala116Val)

Genes: MAP3K1 (mitogen-activated protein kinase kinase kinase 1; plus strand), LOC129993918 (ATAC-STARR-seq lymphoblastoid silent region 16021; plus strand). Cytogenetic location: 5q11.2.
Variant type: single nucleotide variant.
Coding change: c.347C>T on transcript NM_005921.2 (MANE Select); coding-DNA position 347, C replaced by T.
Protein change: p.Ala116Val; replaces alanine 116 with valine.
Molecular consequence: missense variant.
Genome position (GRCh38, 1-based): chr5:56,815,920, C>T. VCF-style: chr5-56815920-C-T. GRCh37 (hg19) VCF-style: chr5-56111747-C-T.
Other names: c.347C>T (NM_005921.1); short protein forms A116V.
Identifiers: ClinVar variation 2729777 (VCV002729777.4), dbSNP rs1046935979, ClinGen allele CA119510614.